The following is an entry in ClinVar:

ClinVar aggregate classification (germline): Uncertain significance (1 of 4 stars; one submission).

Conditions:
Pityriasis rubra pilaris (PRP). Also called: Pityriasis rubra pilaris--familial type. Identifiers: Orphanet 2897, MedGen C0032027, MONDO:0100017, OMIM 173200, MONDO:0008251.
Psoriasis 2. Identifiers: MedGen C1864497, MONDO:0011269, OMIM 602723.

Allele frequency attached by ClinVar (database versions not stated): gnomAD exomes below 0.00001; ExAC 0.00001.
gnomAD v4.1: 6 of 1,613,184 alleles (0.00037%); highest among the groups gnomAD compares: Non-Finnish European, 0.00042%; no homozygotes.

Submission:

Labcorp Genetics (formerly Invitae), Labcorp
Classification: Uncertain significance for Pityriasis rubra pilaris; Psoriasis 2. Last evaluated: 2022-06-15. Review status: criteria provided, single submitter. Criteria: Invitae Variant Classification Sherloc (09022015). Collection method: clinical testing. Allele origin: germline.
Comment: In summary, the available evidence is currently insufficient to determine the role of this variant in disease. Therefore, it has been classified as a Variant of Uncertain Significance. Algorithms developed to predict the effect of missense changes on protein structure and function output the following: SIFT: "Tolerated"; PolyPhen-2: "Benign"; Align-GVGD: "Class C0". The threonine amino acid residue is found in multiple mammalian species, which suggests that this missense change does not adversely affect protein function. This variant has not been reported in the literature in individuals affected with CARD14-related conditions. This variant is not present in population databases (gnomAD no frequency). This sequence change replaces methionine, which is neutral and non-polar, with threonine, which is neutral and polar, at codon 726 of the CARD14 protein (p.Met726Thr).

NM_001366385.1(CARD14):c.2177T>C (p.Met726Thr)

Genes: CARD14 (caspase recruitment domain family member 14; plus strand), SGSH (N-sulfoglucosamine sulfohydrolase; minus strand). Cytogenetic location: 17q25.3.
Variant type: single nucleotide variant.
Coding change: c.2177T>C on transcript NM_001366385.1 (MANE Select); coding-DNA position 2177, T replaced by C.
Protein change: p.Met726Thr; replaces methionine 726 with threonine.
Molecular consequence: missense variant. On other transcripts: non-coding transcript variant (1).
Genome position (GRCh38, 1-based): chr17:80,202,378, T>C. VCF-style: chr17-80202378-T-C. GRCh37 (hg19) VCF-style: chr17-78176177-T-C.
Other names: c.2177T>C, p.Met726Thr (NM_001257970.1, NM_024110.4); short protein forms M726T.
Identifiers: ClinVar variation 2007018 (VCV002007018.4), dbSNP rs773812580, ClinGen allele CA8817199.